The following is an entry in ClinVar:

ClinVar aggregate classification (germline): Benign. Review status: criteria provided, single submitter (1 of 4 stars). 2 submissions from 2 submitters: Benign (1). 1 of the submissions does not count toward it. Last evaluated 2018-06-08.

Conditions:
STXBP5-related disorder. Also called: STXBP5-related condition.

Allele frequency attached by ClinVar (database versions not stated): gnomAD exomes 0.00506 and 0.00883; gnomAD 0.00508 and 0.00532; ESP Exome Variant Server 0.00576; ExAC 0.00708; 1000 Genomes Project 0.00260; 1000 Genomes Project 30x 0.00297; TOPMed 0.00474.
gnomAD v4.1: 13,081 of 1,570,954 alleles (0.83%); highest among the groups gnomAD compares: Non-Finnish European, 1%; 82 homozygotes.

Submissions (2):

Labcorp Genetics (formerly Invitae), Labcorp
Classification: Benign. Last evaluated: 2018-06-08. Review status: criteria provided, single submitter. Criteria: Invitae Variant Classification Sherloc (09022015). Collection method: clinical testing. Allele origin: germline.

PreventionGenetics, part of Exact Sciences
Classification: Benign for STXBP5-related condition. Last evaluated: 2022-05-02. Review status: no assertion criteria provided. Collection method: clinical testing. Allele origin: germline. Not counted in ClinVar's aggregate classification.
Comment: This variant is classified as benign based on ACMG/AMP sequence variant interpretation guidelines (Richards et al. 2015 PMID: 25741868, with internal and published modifications).

NM_001127715.4(STXBP5):c.2255-9A>G

Gene: STXBP5 (syntaxin binding protein 5; plus strand). Cytogenetic location: 6q24.3.
Variant type: single nucleotide variant.
Coding change: c.2255-9A>G on transcript NM_001127715.4 (MANE Select); 9 bases into the intron before coding-DNA position 2255, A replaced by G.
Molecular consequence: intron variant.
Genome position (GRCh38, 1-based): chr6:147,353,314, A>G. VCF-style: chr6-147353314-A-G. GRCh37 (hg19) VCF-style: chr6-147674450-A-G.
Other names: c.2207-9A>G (NM_001394409.1); c.2147-9A>G (NM_139244.6).
Identifiers: ClinVar variation 786409 (VCV000786409.5), dbSNP rs55873689, ClinGen allele CA4039240.
Genomic context (GRCh38, chr6:147,353,314, plus strand): 5'-TGAAAATCAGTTGATATTAGTATGAATCAAATATTCTTCAGAATTTTAAAAATGTCTTTT[A>G]TTTTTCAGCAAAGATGTCAAGGAAGTTAAGCTTACCTACTGACCTAAAGCCTGATTTAGG-3'